The following is an entry in ClinVar:

ClinVar aggregate classification (germline): Conflicting classifications of pathogenicity. Review status: criteria provided, conflicting classifications (1 of 4 stars). 5 submissions from 2 submitters: Uncertain significance (4); Likely benign (1). Last evaluated 2023-02-01.

Conditions:
Neurofibromatosis-Noonan syndrome (NFNS). Also called: NEUROFIBROMATOSIS WITH NOONAN PHENOTYPE. Identifiers: Orphanet 638, MedGen C2931482, MONDO:0011035, OMIM 601321. Disease mechanism: loss of function.
Neurofibromatosis, type 1 (NF1). Also called: Neurofibromatosis, type I; VON RECKLINGHAUSEN DISEASE; Peripheral type neurofibromatosis; NEUROFIBROMATOSIS, TYPE I, SOMATIC. Identifiers: Orphanet 636, MedGen C0027831, MONDO:0018975, OMIM 162200. Disease mechanism: loss of function.
Café-au-lait macules with pulmonary stenosis (WTSN). Also called: PULMONIC STENOSIS WITH CAFE-AU-LAIT SPOTS. Identifiers: MedGen C0553586, MONDO:0008672, OMIM 193520.
Neurofibromatosis, familial spinal (FSNF). Identifiers: Orphanet 636, MedGen C1834235, MONDO:0008078, OMIM 162210. Disease mechanism: loss of function.

Allele frequency attached by ClinVar (database versions not stated): 1000 Genomes Project 0.00040; 1000 Genomes Project 30x 0.00047; gnomAD 0.00100; TOPMed 0.00101; gnomAD exomes 0.00162.
gnomAD v4.1: 286 of 232,948 alleles (0.12%); highest among the groups gnomAD compares: Middle Eastern, 0.51%; 1 homozygote.

Submissions (5):

CeGaT Center for Human Genetics Tuebingen
Classification: Likely benign. Last evaluated: 2023-02-01. Review status: criteria provided, single submitter. Criteria: CeGaT Center For Human Genetics Tuebingen Variant Classification Criteria Version 2. Collection method: clinical testing. Allele origin: germline. Affected: yes. Observed: 4 variant alleles.
Comment: NF1: BS1

Illumina Laboratory Services, Illumina
Classification: Uncertain significance for Neurofibromatosis, type 1. Last evaluated: 2018-01-12. Review status: criteria provided, single submitter. Criteria: ICSL Variant Classification Criteria 13 December 2019. Collection method: clinical testing. Allele origin: germline.

Illumina Laboratory Services, Illumina
Classification: Uncertain significance for Neurofibromatosis, familial spinal. Last evaluated: 2018-01-12. Review status: criteria provided, single submitter. Criteria: ICSL Variant Classification Criteria 13 December 2019. Collection method: clinical testing. Allele origin: germline.

Illumina Laboratory Services, Illumina
Classification: Uncertain significance for Café-au-lait macules with pulmonary stenosis. Last evaluated: 2018-01-12. Review status: criteria provided, single submitter. Criteria: ICSL Variant Classification Criteria 13 December 2019. Collection method: clinical testing. Allele origin: germline.

Illumina Laboratory Services, Illumina
Classification: Uncertain significance for Neurofibromatosis-Noonan syndrome. Last evaluated: 2018-01-12. Review status: criteria provided, single submitter. Criteria: ICSL Variant Classification Criteria 13 December 2019. Collection method: clinical testing. Allele origin: germline.

NM_001042492.3(NF1):c.*1899A>G

Gene: NF1 (neurofibromin 1; plus strand). Cytogenetic location: 17q11.2.
Variant type: single nucleotide variant.
Coding change: c.*1899A>G on transcript NM_001042492.3 (MANE Select); 1899 bases downstream of the stop codon, A replaced by G.
Molecular consequence: 3 prime UTR variant.
Genome position (GRCh38, 1-based): chr17:31,376,054, A>G. VCF-style: chr17-31376054-A-G. GRCh37 (hg19) VCF-style: chr17-29703072-A-G.
Other names: c.*1899A>G (NM_000267.4).
Identifiers: ClinVar variation 322592 (VCV000322592.29), dbSNP rs547663480, ClinGen allele CA10639346.
Genomic context (GRCh38, chr17:31,376,054, plus strand): 5'-CTATTGTAGAGGCTGCATTAGAAGAAAATGTTTATAATGACAGAGCAACTATGACTATAT[A>G]AAAAAGCTGAAATTAGAACTGTGTTTAGAAATAGATCAGTAACCCAGTGCCAAGGATGCC-3'